The following is an entry in ClinVar:

ClinVar aggregate classification (germline): Conflicting classifications of pathogenicity. Review status: criteria provided, conflicting classifications (1 of 4 stars). 3 submissions from 3 submitters: Uncertain significance (1); Benign (1). 1 of the submissions does not count toward it. Last evaluated 2018-07-06.

Conditions:
IgE responsiveness, atopic. Also called: IMMUNOGLOBULIN E, BASIC LEVEL OF, IN SERUM. Identifiers: MedGen C1840253, MONDO:0007817, OMIM 147050.
Susceptibility to HIV infection. Also called: HUMAN IMMUNODEFICIENCY VIRUS TYPE 1, RESISTANCE TO; Human immunodeficiency virus type 1, susceptibility to; HIV-1, SUSCEPTIBILITY TO. Identifiers: MedGen C1836230, MONDO:0004951, OMIM 609423.
IL4R-related disorder. Also called: IL4R-related condition.

Allele frequency attached by ClinVar (database versions not stated): 1000 Genomes Project 0.00060; 1000 Genomes Project 30x 0.00062; ExAC 0.00353; gnomAD exomes 0.00358; gnomAD 0.00368 and 0.00374; TOPMed 0.00381; ESP Exome Variant Server 0.00493.
gnomAD v4.1: 8,125 of 1,614,130 alleles (0.5%); highest among the groups gnomAD compares: Non-Finnish European, 0.62%; 35 homozygotes.

Submissions (3):

Labcorp Genetics (formerly Invitae), Labcorp
Classification: Benign. Last evaluated: 2018-07-06. Review status: criteria provided, single submitter. Criteria: Invitae Variant Classification Sherloc (09022015). Collection method: clinical testing. Allele origin: germline.

Center for Genomics, Ann and Robert H. Lurie Children's Hospital of Chicago
Classification: Uncertain significance for Susceptibility to HIV infection; IgE responsiveness, atopic. Review status: criteria provided, single submitter. Criteria: ACMG Guidelines, 2015. Collection method: clinical testing. Allele origin: germline.
Comment: IL4R: NM_000418.3 exon 11 p.Ser387Leu (c.1160C>T): This variant has not been reported in the literature but is present in 0.5% (719/126660) of European alleles, including 3 homozygotes in the Genome Aggregation Database. This variant amino acid Leucine (Leu) is present in 6 species; this suggests that this variant may not impact the protein. Additional computational prediction tools do not suggest an impact. In summary, data on this variant is insufficient for disease classification. Therefore, the clinical significance of this variant is uncertain.

PreventionGenetics, part of Exact Sciences
Classification: Benign for IL4R-related condition. Last evaluated: 2019-05-10. Review status: no assertion criteria provided. Collection method: clinical testing. Allele origin: germline. Not counted in ClinVar's aggregate classification.
Comment: This variant is classified as benign based on ACMG/AMP sequence variant interpretation guidelines (Richards et al. 2015 PMID: 25741868, with internal and published modifications).

NM_000418.4(IL4R):c.1160C>T (p.Ser387Leu)

Gene: IL4R (interleukin 4 receptor; plus strand). Cytogenetic location: 16p12.1.
Variant type: single nucleotide variant.
Coding change: c.1160C>T on transcript NM_000418.4 (MANE Select); coding-DNA position 1160, C replaced by T.
Protein change: p.Ser387Leu; replaces serine 387 with leucine.
Molecular consequence: missense variant.
Genome position (GRCh38, 1-based): chr16:27,362,512, C>T. VCF-style: chr16-27362512-C-T. GRCh37 (hg19) VCF-style: chr16-27373833-C-T.
Other names: c.1160C>T, p.Ser387Leu (NM_001257406.2); c.1115C>T, p.Ser372Leu (NM_001257407.2); c.680C>T, p.Ser227Leu (NM_001257997.2); short protein forms S387L, S372L, S227L.
Identifiers: ClinVar variation 626118 (VCV000626118.12), dbSNP rs6413500, ClinGen allele CA7974501.